The following is an entry in ClinVar:

ClinVar aggregate classification (germline): Pathogenic/Likely pathogenic. Review status: criteria provided, multiple submitters, no conflicts (2 of 4 stars). 2 submissions from 2 submitters: Pathogenic (1); Likely pathogenic (1). Last evaluated 2024-06-03.

Conditions:
ADGRV1-related disorder. Also called: ADGRV1-related condition; ADGRV1-related disorders.

Submissions (2):

Labcorp Genetics (formerly Invitae), Labcorp
Classification: Pathogenic. Last evaluated: 2024-06-03. Review status: criteria provided, single submitter. Criteria: Invitae Variant Classification Sherloc (09022015). Collection method: clinical testing. Allele origin: germline.
Comment: This sequence change creates a premature translational stop signal (p.Gly4293Trpfs*33) in the ADGRV1 gene. It is expected to result in an absent or disrupted protein product. Loss-of-function variants in ADGRV1 are known to be pathogenic (PMID: 19357117, 22135276, 22147658, 26226137, 30718709, 31047384, 32467589). This variant is not present in population databases (gnomAD no frequency). This variant has not been reported in the literature in individuals affected with ADGRV1-related conditions. Algorithms developed to predict the effect of sequence changes on RNA splicing suggest that this variant may disrupt the consensus splice site. For these reasons, this variant has been classified as Pathogenic.

Blueprint Genetics
Classification: Likely pathogenic for ADGRV1-related disorders. Last evaluated: 2019-07-22. Review status: criteria provided, single submitter. Criteria: ACMG Guidelines, 2015. Collection method: clinical testing. Allele origin: germline. Affected: yes. Observed: 1 variant allele.

Literature cited by the submitters: PubMed 19357117 (cited by Labcorp Genetics (formerly Invitae), Labcorp); PubMed 22135276 (cited by Labcorp Genetics (formerly Invitae), Labcorp); PubMed 22147658 (cited by Labcorp Genetics (formerly Invitae), Labcorp); PubMed 26226137 (cited by Labcorp Genetics (formerly Invitae), Labcorp); PubMed 30718709 (cited by Labcorp Genetics (formerly Invitae), Labcorp); PubMed 31047384 (cited by Labcorp Genetics (formerly Invitae), Labcorp); PubMed 32467589 (cited by Labcorp Genetics (formerly Invitae), Labcorp).

NM_032119.4(ADGRV1):c.12876dup (p.Gly4293fs)

Gene: ADGRV1 (adhesion G protein-coupled receptor V1; plus strand). Cytogenetic location: 5q14.3.
Variant type: Duplication.
Coding change: c.12876dup on transcript NM_032119.4 (MANE Select); coding-DNA position 12876, one base duplicated (T; older notation c.12876dupT).
Protein change: p.Gly4293fs; shifts the reading frame from glycine 4293.
Molecular consequence: frameshift variant. On other transcripts: non-coding transcript variant (1).
Genome position (GRCh38, 1-based): chr5:90,778,891, T duplicated. VCF-style (leftmost placement, unchanged base first): chr5-90778890-G-GT. GRCh37 (hg19) VCF-style: chr5-90074707-G-GT.
Other names: short protein forms G4293fs.
Identifiers: ClinVar variation 3655374 (VCV003655374.3).